The following is an entry in ClinVar:

NM_016239.4(MYO15A):c.2033C>T (p.Pro678Leu)

Gene: MYO15A (myosin XVA; plus strand). Cytogenetic location: 17p11.2.
Variant type: single nucleotide variant.
Coding change: c.2033C>T on transcript NM_016239.4 (MANE Select); coding-DNA position 2033, C replaced by T.
Protein change: p.Pro678Leu; replaces proline 678 with leucine.
Molecular consequence: missense variant.
Genome position (GRCh38, 1-based): chr17:18,120,833, C>T. VCF-style: chr17-18120833-C-T. GRCh37 (hg19) VCF-style: chr17-18024147-C-T.
Other names: c.2033C>T (NM_016239.3); short protein forms P678L.
Identifiers: ClinVar variation 2975431 (VCV002975431.4), dbSNP rs1320697469, ClinGen allele CA398580778.

ClinVar aggregate classification (germline): Conflicting classifications of pathogenicity. Review status: criteria provided, conflicting classifications (1 of 4 stars). 2 submissions from 2 submitters: Uncertain significance (1); Benign (1). Last evaluated 2023-12-08.

Allele frequency attached by ClinVar (database versions not stated): gnomAD 0.00001; gnomAD exomes 0.00001; TOPMed 0.00001.
gnomAD v4.1: 4 of 1,171,928 alleles (0.00034%); highest among the groups gnomAD compares: African/African-American, 0.005%; no homozygotes.

Submissions (2):

GeneDx
Classification: Uncertain significance. Last evaluated: 2023-12-08. Review status: criteria provided, single submitter. Criteria: GeneDx Variant Classification Process June 2021. Collection method: clinical testing. Allele origin: germline. Affected: yes.
Comment: Not observed at significant frequency in large population cohorts (gnomAD); In silico analysis supports that this missense variant does not alter protein structure/function; Has not been previously published as pathogenic or benign to our knowledge

Labcorp Genetics (formerly Invitae), Labcorp
Classification: Benign. Last evaluated: 2023-09-06. Review status: criteria provided, single submitter. Criteria: Invitae Variant Classification Sherloc (09022015). Collection method: clinical testing. Allele origin: germline.